The following is an entry in ClinVar:

NM_014319.5(LEMD3):c.1244C>T (p.Ala415Val)

Gene: LEMD3 (LEM domain containing 3; plus strand). Cytogenetic location: 12q14.3.
Variant type: single nucleotide variant.
Coding change: c.1244C>T on transcript NM_014319.5 (MANE Select); coding-DNA position 1244, C replaced by T.
Protein change: p.Ala415Val; replaces alanine 415 with valine.
Molecular consequence: missense variant.
Genome position (GRCh38, 1-based): chr12:65,170,840, C>T. VCF-style: chr12-65170840-C-T. GRCh37 (hg19) VCF-style: chr12-65564620-C-T.
Other names: c.1244C>T (NM_014319.4); c.1244C>T, p.Ala415Val (NM_001167614.2); short protein forms A415V.
Identifiers: ClinVar variation 3666906 (VCV003666906.3).

ClinVar aggregate classification (germline): Uncertain significance. Review status: criteria provided, multiple submitters, no conflicts (2 of 4 stars). 2 submissions from 2 submitters: Uncertain significance (2). Last evaluated 2025-06-07.

Conditions:
Inborn genetic diseases. Identifiers: MedGen C0950123, MeSH D030342.

gnomAD v4.1: 6 of 1,614,112 alleles (0.00037%); highest among the groups gnomAD compares: Admixed American, 0.0067%; no homozygotes.

Submissions (2):

Ambry Genetics
Classification: Uncertain significance for Inborn genetic diseases. Last evaluated: 2025-06-07. Review status: criteria provided, single submitter. Criteria: Ambry Variant Classification Scheme 2023. Collection method: clinical testing. Allele origin: germline.

Labcorp Genetics (formerly Invitae), Labcorp
Classification: Uncertain significance. Last evaluated: 2025-01-01. Review status: criteria provided, single submitter. Criteria: Invitae Variant Classification Sherloc (09022015). Collection method: clinical testing. Allele origin: germline.
Comment: This sequence change replaces alanine, which is neutral and non-polar, with valine, which is neutral and non-polar, at codon 415 of the LEMD3 protein (p.Ala415Val). This variant is present in population databases (no rsID available, gnomAD 0.009%). This variant has not been reported in the literature in individuals affected with LEMD3-related conditions. Invitae Evidence Modeling of protein sequence and biophysical properties (such as structural, functional, and spatial information, amino acid conservation, physicochemical variation, residue mobility, and thermodynamic stability) indicates that this missense variant is not expected to disrupt LEMD3 protein function with a negative predictive value of 80%. In summary, the available evidence is currently insufficient to determine the role of this variant in disease. Therefore, it has been classified as a Variant of Uncertain Significance.